The following is an entry in ClinVar:

NM_001267550.2(TTN):c.12316C>T (p.Gln4106Ter)

Gene: TTN (titin; minus strand). Cytogenetic location: 2q31.2.
Variant type: single nucleotide variant.
Coding change: c.12316C>T on transcript NM_001267550.2 (MANE Select); coding-DNA position 12316, C replaced by T.
Protein change: p.Gln4106Ter; replaces glutamine 4106 with a stop codon.
Molecular consequence: nonsense. On other transcripts: intron variant (1).
Genome position (GRCh38, 1-based): chr2:178,740,917, G>A on the plus strand (C>T on the coding strand, the complement: TTN is on the minus strand). VCF-style: chr2-178740917-G-A. GRCh37 (hg19) VCF-style: chr2-179605644-G-A.
Other names: c.11365C>T, p.Gln3789Ter (NM_001256850.1); c.11227C>T, p.Gln3743Ter (NM_003319.4); c.11602C>T, p.Gln3868Ter (NM_133432.3); c.11803C>T, p.Gln3935Ter (NM_133437.4); c.10361-2557C>T (NM_133378.4); short protein forms Q4106*, Q3935*, Q3789*, Q3743*, Q3868*.
Identifiers: ClinVar variation 535052 (VCV000535052.8), dbSNP rs1553940122, ClinGen allele CA349615627.
Genomic context (GRCh38, chr2:178,740,917, plus strand): 5'-CAGGAGTGAGCTTGTCTTGCTCCAAAATGGATTGCAATTCCTGAGCTCCCAAAGGAAGCT[G>A]ACTGCTCAATTCATTGGCTTTAGCAATATGCTCATAAGATAGTTGCTGGTTTTCTTCTGT-3'

ClinVar aggregate classification (germline): Pathogenic/Likely pathogenic. Review status: criteria provided, multiple submitters, no conflicts (2 of 4 stars). 4 submissions from 4 submitters: Pathogenic (1); Likely pathogenic (3). Last evaluated 2025-12-31.

Conditions:
Cardiovascular phenotype. Identifiers: MedGen CN230736.
Dilated cardiomyopathy 1G (CMD1G). Identifiers: Orphanet 154, MedGen C1858763, MONDO:0011400, OMIM 604145.
Autosomal recessive limb-girdle muscular dystrophy type 2J (LGMDR10). Also called: Limb-girdle muscular dystrophy, type 2J; MUSCULAR DYSTROPHY, LIMB-GIRDLE, AUTOSOMAL RECESSIVE 10. Identifiers: Orphanet 140922, MedGen C1837342, MONDO:0012127, OMIM 608807.
Primary dilated cardiomyopathy (DCM). Also called: Dilated Cardiomyopathy. Identifiers: Orphanet 217604, MedGen C0007193, MeSH D002311, MONDO:0005021, HP:0001644. Inheritance: Various modes of inheritance.

Submissions (4):

Molecular Diagnostic Laboratory for Inherited Cardiovascular Disease, Montreal Heart Institute
Classification: Pathogenic for Cardiovascular phenotype. Last evaluated: 2025-12-31. Review status: criteria provided, single submitter. Criteria: ACMG Guidelines, 2015. Collection method: clinical testing. Allele origin: germline. Affected: yes.
Comment: PVS1, PS4_supp, PM2

Labcorp Genetics (formerly Invitae), Labcorp
Classification: Likely pathogenic for Dilated cardiomyopathy 1G; Autosomal recessive limb-girdle muscular dystrophy type 2J. Last evaluated: 2024-12-02. Review status: criteria provided, single submitter. Criteria: Invitae Variant Classification Sherloc (09022015). Collection method: clinical testing. Allele origin: germline.
Comment: This sequence change creates a premature translational stop signal (p.Gln4106*) in the TTN gene. While this is not anticipated to result in nonsense mediated decay, it is expected to create a truncated TTN protein. This variant is not present in population databases (gnomAD no frequency). This variant has not been observed in the literature in individuals with autosomal recessive TTN-related conditions. This variant has been reported in individual(s) with autosomal dominant dilated cardiomyopathy and/or left ventricular noncompaction (PMID: 31514951, 31983221, 33500567, 36396199, 37652022); however, the role of the variant in this condition is currently unclear. ClinVar contains an entry for this variant (Variation ID: 535052). This variant is located in the I band of TTN (PMID: 25589632). Truncating variants in this region have been reported in individuals affected with autosomal recessive centronuclear myopathy (PMID: 23975875, internal data). Truncating variants in this region have also been identified in individuals affected with autosomal dominant dilated cardiomyopathy and/or cardio-related conditions (PMID: 27869827, 32964742, internal data). In summary, the currently available evidence indicates that the variant is pathogenic, but additional data are needed to prove that conclusively. Therefore, this variant has been classified as Likely Pathogenic.

Ambry Genetics
Classification: Likely pathogenic for Cardiovascular phenotype. Last evaluated: 2023-12-15. Review status: criteria provided, single submitter. Criteria: Ambry Variant Classification Scheme 2023. Collection method: clinical testing. Allele origin: germline.
Comment: The p.Q3743* variant (also known as c.11227C>T), located in coding exon 44 of the TTN gene, results from a C to T substitution at nucleotide position 11227. This changes the amino acid from a glutamine to a stop codon within coding exon 44. This exon is located in the I-band region of the N2-B isoform of the titin protein and is constitutively expressed in TTN transcripts (percent spliced in or PSI 100%). This variant has been reported in association with dilated cardiomyopathy (DCM) (Gigli M et al. J Am Coll Cardiol, 2019 Sep;74:1480-1490). This variant is considered to be rare based on population cohorts in the Genome Aggregation Database (gnomAD). This alteration is expected to result in loss of function by premature protein truncation or nonsense-mediated mRNA decay. While truncating variants in TTN are present in 1-3% of the general population, truncating variants in the A-band are the most common cause of dilated cardiomyopathy (DCM) (Herman DS et al. N. Engl. J. Med., 2012 Feb;366:619-28; Roberts AM et al. Sci Transl Med, 2015 Jan;7:270ra6). TTN truncating variants encoded in constitutive exons (PSI >90%) have been found to be significantly associated with DCM regardless of their position in titin (Schafer S et al. Nat. Genet., 2017 01;49:46-53). Based on the majority of available evidence to date, this variant is likely to be pathogenic.

Laboratory for Molecular Medicine, Mass General Brigham Personalized Medicine
Classification: Likely pathogenic for Primary dilated cardiomyopathy. Last evaluated: 2021-09-13. Review status: criteria provided, single submitter. Criteria: ACMG Guidelines, 2015. Collection method: clinical testing. Allele origin: germline. Inheritance: Autosomal dominant inheritance.
Comment: The p.Gln3868X variant in TTN has not been previously reported in individuals with cardiomyopathy or in large population studies. This nonsense variant leads to a premature termination codon at position 3868, which is predicted to lead to a truncated or absent protein. This alteration occurs in the last exon and is, therefore, likely to escape nonsense mediated decay (NMD) and result in a truncated protein. TTN truncating variants encoded in constitutive exons (PSI >95%) have been found to be significantly associated with DCM regardless of their position in titin (Roberts 2015 PMID:25589632, Schafer 2017 PMID:27869827). This variant is located in such a highly expressed exon in the I-band. In summary, although additional studies are required to fully establish its clinical significance, this variant meets criteria to be classified as likely pathogenic for autosomal dominant DCM. ACMG/AMP Criteria applied: PVS1, PM2_Supporting.

Literature cited by the submitters: PubMed 31514951 (cited by Labcorp Genetics (formerly Invitae), Labcorp and Ambry Genetics); PubMed 31983221 (cited by Labcorp Genetics (formerly Invitae), Labcorp); PubMed 33500567 (cited by Labcorp Genetics (formerly Invitae), Labcorp); PubMed 36396199 (cited by Labcorp Genetics (formerly Invitae), Labcorp); PubMed 37652022 (cited by Labcorp Genetics (formerly Invitae), Labcorp); PubMed 25589632 (cited by Labcorp Genetics (formerly Invitae), Labcorp and Laboratory for Molecular Medicine, Mass General Brigham Personalized Medicine); PubMed 23975875 (cited by Labcorp Genetics (formerly Invitae), Labcorp); PubMed 27869827 (cited by Labcorp Genetics (formerly Invitae), Labcorp and Laboratory for Molecular Medicine, Mass General Brigham Personalized Medicine); PubMed 32964742 (cited by Labcorp Genetics (formerly Invitae), Labcorp); PubMed 22335739 (cited by Laboratory for Molecular Medicine, Mass General Brigham Personalized Medicine); PubMed 24503780 (cited by Laboratory for Molecular Medicine, Mass General Brigham Personalized Medicine).